The following is an entry in ClinVar:

NM_000089.4(COL1A2):c.44T>C (p.Val15Ala)

Gene: COL1A2 (collagen type I alpha 2 chain; plus strand). Cytogenetic location: 7q21.3.
Variant type: single nucleotide variant.
Coding change: c.44T>C on transcript NM_000089.4 (MANE Select); coding-DNA position 44, T replaced by C.
Protein change: p.Val15Ala; replaces valine 15 with alanine.
Molecular consequence: missense variant.
Genome position (GRCh38, 1-based): chr7:94,395,075, T>C. VCF-style: chr7-94395075-T-C. GRCh37 (hg19) VCF-style: chr7-94024387-T-C.
Other names: short protein forms V15A.
Identifiers: ClinVar variation 4827076 (VCV004827076.1).

ClinVar aggregate classification (germline): Uncertain significance (1 of 4 stars; one submission).

Conditions:
Cardiovascular phenotype. Identifiers: MedGen CN230736.

Submission:

Ambry Genetics
Classification: Uncertain significance for Cardiovascular phenotype. Last evaluated: 2026-03-11. Review status: criteria provided, single submitter. Criteria: Ambry Variant Classification Scheme 2023. Collection method: clinical testing. Allele origin: germline.
Comment: The p.V15A variant (also known as c.44T>C), located in coding exon 1 of the COL1A2 gene, results from a T to C substitution at nucleotide position 44. The valine at codon 15 is replaced by alanine, an amino acid with similar properties. This amino acid position is conserved. In addition, this alteration is predicted to be tolerated by in silico analysis. Based on the available evidence, the clinical significance of this variant remains unclear.